The following is an entry in ClinVar:

ClinVar aggregate classification (germline): Benign/Likely benign. Review status: criteria provided, multiple submitters, no conflicts (2 of 4 stars). 5 submissions from 5 submitters: Benign (3); Likely benign (2). Last evaluated 2026-02-04.

Conditions:
Deficiency of transaldolase. Also called: EYAID SYNDROME. Identifiers: Orphanet 101028, MedGen C1291329, MONDO:0011624, OMIM 606003.

Allele frequency attached by ClinVar (database versions not stated): gnomAD exomes 0.00496 and 0.00550; ExAC 0.00558; 1000 Genomes Project 0.01018; gnomAD 0.01108 and 0.01176; 1000 Genomes Project 30x 0.01109; TOPMed 0.01184; ESP Exome Variant Server 0.01492.
gnomAD v4.1: 9,087 of 1,611,302 alleles (0.56%); highest among the groups gnomAD compares: African/African-American, 2.9%; 73 homozygotes.

Submissions 1 to 30 of 48:

Labcorp Genetics (formerly Invitae), Labcorp
Classification: Benign. Last evaluated: 2026-02-04. Review status: criteria provided, single submitter. Criteria: Invitae Variant Classification Sherloc (09022015). Collection method: clinical testing. Allele origin: germline.

Mayo Clinic Laboratories, Mayo Clinic
Classification: Benign. Last evaluated: 2022-07-19. Review status: criteria provided, single submitter. Criteria: ACMG Guidelines, 2015. Collection method: clinical testing. Allele origin: germline. Observed: 12 variant alleles.
Comment: BA1

Illumina Laboratory Services, Illumina
Classification: Benign for Deficiency of transaldolase. Last evaluated: 2018-01-13. Review status: criteria provided, single submitter. Criteria: ICSL Variant Classification Criteria 13 December 2019. Collection method: clinical testing. Allele origin: germline.
Comment: This variant was observed in the ICSL laboratory as part of a predisposition screen in an ostensibly healthy population. It had not been previously curated by ICSL or reported in the Human Gene Mutation Database (HGMD: prior to June 1st, 2018), and was therefore a candidate for classification through an automated scoring system. Utilizing variant allele frequency, disease prevalence and penetrance estimates, and inheritance mode, an automated score was calculated to assess if this variant is too frequent to cause the disease. Based on the score and internal cut-off values, a variant classified as benign is not then subjected to further curation. The score for this variant resulted in a classification of benign for this disease.

Center for Pediatric Genomic Medicine, Children's Mercy Hospital and Clinics
Classification: Likely benign. Last evaluated: 2016-10-11. Review status: criteria provided, single submitter. Criteria: ACMG Guidelines, 2015. Collection method: clinical testing. Allele origin: germline.
ClinVar note: Converted during submission from Likely Benign to Likely benign.

Breakthrough Genomics
Classification: Likely benign. Review status: criteria provided, single submitter. Criteria: ACMG Guidelines, 2015. Collection method: not provided. Allele origin: germline. Inheritance: Autosomal recessive inheritance. Affected: yes.

Dr. Peter K. Rogan Lab, Western University
No classification provided (evidence only). Condition: Clear cell carcinoma of kidney. Review status: no classification provided. Collection method: in vitro. Allele origin: not applicable. Functional consequence: retained intron. Not counted in ClinVar's aggregate classification.

Dr. Peter K. Rogan Lab, Western University
No classification provided (evidence only). Condition: Clear cell carcinoma of kidney. Review status: no classification provided. Collection method: in vitro. Allele origin: not applicable. Functional consequence: retained intron. Not counted in ClinVar's aggregate classification.

Dr. Peter K. Rogan Lab, Western University
No classification provided (evidence only). Condition: Clear cell carcinoma of kidney. Review status: no classification provided. Collection method: in vitro. Allele origin: not applicable. Functional consequence: retained intron. Not counted in ClinVar's aggregate classification.

Dr. Peter K. Rogan Lab, Western University
No classification provided (evidence only). Condition: Clear cell carcinoma of kidney. Review status: no classification provided. Collection method: in vitro. Allele origin: not applicable. Functional consequence: retained intron. Not counted in ClinVar's aggregate classification.

Dr. Peter K. Rogan Lab, Western University
No classification provided (evidence only). Condition: Clear cell carcinoma of kidney. Review status: no classification provided. Collection method: in vitro. Allele origin: not applicable. Functional consequence: retained intron. Not counted in ClinVar's aggregate classification.

Dr. Peter K. Rogan Lab, Western University
No classification provided (evidence only). Condition: Lung cancer. Review status: no classification provided. Collection method: in vitro. Allele origin: not applicable. Functional consequence: retained intron. Not counted in ClinVar's aggregate classification.

Dr. Peter K. Rogan Lab, Western University
No classification provided (evidence only). Condition: Lung cancer. Review status: no classification provided. Collection method: in vitro. Allele origin: not applicable. Functional consequence: retained intron. Not counted in ClinVar's aggregate classification.

Dr. Peter K. Rogan Lab, Western University
No classification provided (evidence only). Condition: Melanoma. Review status: no classification provided. Collection method: in vitro. Allele origin: not applicable. Functional consequence: retained intron. Not counted in ClinVar's aggregate classification.

Dr. Peter K. Rogan Lab, Western University
No classification provided (evidence only). Condition: Melanoma. Review status: no classification provided. Collection method: in vitro. Allele origin: not applicable. Functional consequence: retained intron. Not counted in ClinVar's aggregate classification.

Dr. Peter K. Rogan Lab, Western University
No classification provided (evidence only). Condition: Melanoma. Review status: no classification provided. Collection method: in vitro. Allele origin: not applicable. Functional consequence: retained intron. Not counted in ClinVar's aggregate classification.

Dr. Peter K. Rogan Lab, Western University
No classification provided (evidence only). Condition: Acute myeloid leukemia. Review status: no classification provided. Collection method: in vitro. Allele origin: not applicable. Functional consequence: retained intron. Not counted in ClinVar's aggregate classification.

Dr. Peter K. Rogan Lab, Western University
No classification provided (evidence only). Condition: Colon adenocarcinoma. Review status: no classification provided. Collection method: in vitro. Allele origin: not applicable. Functional consequence: retained intron. Not counted in ClinVar's aggregate classification.

Dr. Peter K. Rogan Lab, Western University
No classification provided (evidence only). Condition: Colorectal cancer. Review status: no classification provided. Collection method: in vitro. Allele origin: not applicable. Functional consequence: retained intron. Not counted in ClinVar's aggregate classification.

Dr. Peter K. Rogan Lab, Western University
No classification provided (evidence only). Condition: Thyroid cancer, nonmedullary, 1. Review status: no classification provided. Collection method: in vitro. Allele origin: not applicable. Functional consequence: retained intron. Not counted in ClinVar's aggregate classification.

Dr. Peter K. Rogan Lab, Western University
No classification provided (evidence only). Condition: Thyroid cancer, nonmedullary, 1. Review status: no classification provided. Collection method: in vitro. Allele origin: not applicable. Functional consequence: retained intron. Not counted in ClinVar's aggregate classification.

Dr. Peter K. Rogan Lab, Western University
No classification provided (evidence only). Condition: Thyroid cancer, nonmedullary, 1. Review status: no classification provided. Collection method: in vitro. Allele origin: not applicable. Functional consequence: retained intron. Not counted in ClinVar's aggregate classification.

Dr. Peter K. Rogan Lab, Western University
No classification provided (evidence only). Condition: Thyroid cancer, nonmedullary, 1. Review status: no classification provided. Collection method: in vitro. Allele origin: not applicable. Functional consequence: retained intron. Not counted in ClinVar's aggregate classification.

Dr. Peter K. Rogan Lab, Western University
No classification provided (evidence only). Condition: Uterine corpus endometrial carcinoma. Review status: no classification provided. Collection method: in vitro. Allele origin: not applicable. Functional consequence: retained intron. Not counted in ClinVar's aggregate classification.

Dr. Peter K. Rogan Lab, Western University
No classification provided (evidence only). Condition: Uterine corpus endometrial carcinoma. Review status: no classification provided. Collection method: in vitro. Allele origin: not applicable. Functional consequence: retained intron. Not counted in ClinVar's aggregate classification.

Dr. Peter K. Rogan Lab, Western University
No classification provided (evidence only). Condition: Uterine corpus endometrial carcinoma. Review status: no classification provided. Collection method: in vitro. Allele origin: not applicable. Functional consequence: retained intron. Not counted in ClinVar's aggregate classification.

Dr. Peter K. Rogan Lab, Western University
No classification provided (evidence only). Condition: Cervical cancer. Review status: no classification provided. Collection method: in vitro. Allele origin: not applicable. Functional consequence: retained intron. Not counted in ClinVar's aggregate classification.

Dr. Peter K. Rogan Lab, Western University
No classification provided (evidence only). Condition: Cervical cancer. Review status: no classification provided. Collection method: in vitro. Allele origin: not applicable. Functional consequence: retained intron. Not counted in ClinVar's aggregate classification.

Dr. Peter K. Rogan Lab, Western University
No classification provided (evidence only). Condition: Cervical cancer. Review status: no classification provided. Collection method: in vitro. Allele origin: not applicable. Functional consequence: retained intron. Not counted in ClinVar's aggregate classification.

Dr. Peter K. Rogan Lab, Western University
No classification provided (evidence only). Condition: Cervical cancer. Review status: no classification provided. Collection method: in vitro. Allele origin: not applicable. Functional consequence: retained intron. Not counted in ClinVar's aggregate classification.

Dr. Peter K. Rogan Lab, Western University
No classification provided (evidence only). Condition: Cervical cancer. Review status: no classification provided. Collection method: in vitro. Allele origin: not applicable. Functional consequence: retained intron. Not counted in ClinVar's aggregate classification.

NM_006755.2(TALDO1):c.962A>G (p.Lys321Arg)

Gene: TALDO1 (transaldolase 1; plus strand). Cytogenetic location: 11p15.5.
Variant type: single nucleotide variant.
Coding change: c.962A>G on transcript NM_006755.2 (MANE Select); coding-DNA position 962, A replaced by G.
Protein change: p.Lys321Arg; replaces lysine 321 with arginine.
Molecular consequence: missense variant.
Genome position (GRCh38, 1-based): chr11:764,414, A>G. VCF-style: chr11-764414-A-G. GRCh37 (hg19) VCF-style: chr11-764414-A-G.
Other names: p.Lys321Arg; short protein forms K321R.
Identifiers: ClinVar variation 306139 (VCV000306139.19), dbSNP rs11302, ClinGen allele CA5788365.